The following is an entry in ClinVar:

ClinVar aggregate classification (germline): Uncertain significance (1 of 4 stars; one submission).

Submission:

Greenwood Genetic Center Diagnostic Laboratories, Greenwood Genetic Center
Classification: Uncertain significance. Last evaluated: 2024-05-22. Review status: criteria provided, single submitter. Criteria: ACMG Guidelines, 2015. Collection method: clinical testing. Allele origin: germline. Affected: yes.
Comment: PM2

NM_001379451.1(BCORL1):c.3129G>A (p.Gln1043=)

Gene: BCORL1 (BCL6 corepressor like 1; plus strand). Cytogenetic location: Xq26.1.
Variant type: single nucleotide variant.
Coding change: c.3129G>A on transcript NM_001379451.1 (MANE Select); coding-DNA position 3129, G replaced by A.
Protein change: p.Gln1043=; no amino-acid change (glutamine 1043 retained).
Molecular consequence: synonymous variant.
Genome position (GRCh38, 1-based): chrX:130,015,901, G>A. VCF-style: chrX-130015901-G-A. GRCh37 (hg19) VCF-style: chrX-129149877-G-A.
Other names: c.3129G>A, p.Gln1043= (NM_001184772.3, NM_001379450.1, NM_021946.5).
Identifiers: ClinVar variation 3338521 (VCV003338521.1).